The following is an entry in ClinVar:

NM_001276345.2(TNNT2):c.526del (p.Arg176fs)

Gene: TNNT2 (troponin T2, cardiac type; minus strand). Cytogenetic location: 1q32.1.
Variant type: Deletion.
Coding change: c.526del on transcript NM_001276345.2 (MANE Select); coding-DNA position 526, one base deleted (A; older notation c.526delA).
Protein change: p.Arg176fs; shifts the reading frame from arginine 176.
Molecular consequence: frameshift variant.
Genome position (GRCh38, 1-based): chr1:201,363,370, T deleted on the plus strand (A on the coding strand, the reverse complement: TNNT2 is on the minus strand). VCF-style (leftmost placement, unchanged base first): chr1-201363369-CT-C. GRCh37 (hg19) VCF-style: chr1-201332497-CT-C.
Other names: c.526del, p.Arg176fs (NM_000364.4, NM_001406723.1); c.496del, p.Arg166fs (NM_001001430.3, NM_001001431.3, NM_001276347.2 and 3 more transcripts); c.481del, p.Arg161fs (NM_001001432.3, NM_001406728.1); c.406del, p.Arg136fs (NM_001276346.2); c.493del, p.Arg165fs (NM_001406725.1); short protein forms R136fs, R161fs, R165fs, R166fs, R176fs.
Identifiers: ClinVar variation 3756958 (VCV003756958.2).

ClinVar aggregate classification (germline): Uncertain significance (1 of 4 stars; one submission).

Conditions:
Cardiomyopathy, familial restrictive, 3. Identifiers: Orphanet 75249, MedGen C2676271, MONDO:0012900, OMIM 612422.
Hypertrophic cardiomyopathy 2. Also called: TNNT2-Related Familial Hypertrophic Cardiomyopathy. Identifiers: MedGen C1861864, MONDO:0007266, OMIM 115195.
Dilated cardiomyopathy 1D. Identifiers: Orphanet 154, Orphanet 54260, MedGen C1832243, MONDO:0011095, OMIM 601494.

Submission:

Labcorp Genetics (formerly Invitae), Labcorp
Classification: Uncertain significance for Cardiomyopathy, familial restrictive, 3; Hypertrophic cardiomyopathy 2; Dilated cardiomyopathy 1D. Last evaluated: 2024-06-24. Review status: criteria provided, single submitter. Criteria: Invitae Variant Classification Sherloc (09022015). Collection method: clinical testing. Allele origin: germline.
Comment: This sequence change creates a premature translational stop signal (p.Arg166Glyfs*16) in the TNNT2 gene. It is expected to result in an absent or disrupted protein product. However, the current clinical and genetic evidence is not sufficient to establish whether loss-of-function variants in TNNT2 cause disease. This variant is not present in population databases (gnomAD no frequency). This variant has not been reported in the literature in individuals affected with TNNT2-related conditions. In summary, the available evidence is currently insufficient to determine the role of this variant in disease. Therefore, it has been classified as a Variant of Uncertain Significance.